The following is an entry in ClinVar:

ClinVar aggregate classification (germline): Conflicting classifications of pathogenicity. Review status: criteria provided, conflicting classifications (1 of 4 stars). 7 submissions from 6 submitters: Uncertain significance (2); Likely benign (4). 1 of the submissions does not count toward it. Last evaluated 2025-11-03.

Conditions:
SYNE1-related disorder. Also called: SYNE1-related disorders; SYNE1-related disease; SYNE1-related condition.
Emery-Dreifuss muscular dystrophy 4, autosomal dominant (EDMD4). Also called: EMERY-DREIFUSS MUSCULAR DYSTROPHY 4 WITH VARIABLE FEATURES. Identifiers: Orphanet 261, MedGen C2751807, MONDO:0013071, OMIM 612998.
Autosomal recessive ataxia, Beauce type. Also called: Spinocerebellar ataxia, autosomal recessive 8; SYNE1-Related Autosomal Recessive Cerebellar Ataxia; SYNE1 Deficiency; ATAXIA, RECESSIVE, OF BEAUCE. Identifiers: Orphanet 88644, MedGen C1853116, MONDO:0012549, OMIM 610743.

Allele frequency attached by ClinVar (database versions not stated): ExAC 0.00001; gnomAD exomes 0.00003 and 0.00004; gnomAD 0.00009; TOPMed 0.00009.
gnomAD v4.1: 71 of 1,614,056 alleles (0.0044%); highest among the groups gnomAD compares: African/African-American, 0.0067%; no homozygotes.

Submissions (7):

Labcorp Genetics (formerly Invitae), Labcorp
Classification: Likely benign for Emery-Dreifuss muscular dystrophy 4, autosomal dominant; Autosomal recessive ataxia, Beauce type. Last evaluated: 2025-11-03. Review status: criteria provided, single submitter. Criteria: Invitae Variant Classification Sherloc (09022015). Collection method: clinical testing. Allele origin: germline.

Athena Diagnostics
Classification: Likely benign. Last evaluated: 2025-07-08. Review status: criteria provided, single submitter. Criteria: Athena Diagnostics Criteria. Collection method: clinical testing. Allele origin: unknown.
Comment: Computational tools yielded predictions that this variant is unlikely to have an effect on normal RNA splicing. This nucleotide position exhibits low evolutionary conservation.

Blueprint Genetics
Classification: Likely benign. Last evaluated: 2024-09-25. Review status: criteria provided, single submitter. Criteria: ACMG Guidelines, 2015. Collection method: clinical testing. Allele origin: germline.

Revvity Omics, Revvity
Classification: Likely benign. Last evaluated: 2024-03-13. Review status: criteria provided, single submitter. Criteria: ACMG Guidelines, 2015. Collection method: clinical testing. Allele origin: germline.

Illumina Laboratory Services, Illumina
Classification: Uncertain significance for Emery-Dreifuss muscular dystrophy 4, autosomal dominant. Last evaluated: 2018-01-13. Review status: criteria provided, single submitter. Criteria: ICSL Variant Classification Criteria 13 December 2019. Collection method: clinical testing. Allele origin: germline.

Illumina Laboratory Services, Illumina
Classification: Uncertain significance for Autosomal recessive ataxia, Beauce type. Last evaluated: 2018-01-13. Review status: criteria provided, single submitter. Criteria: ICSL Variant Classification Criteria 13 December 2019. Collection method: clinical testing. Allele origin: germline.

PreventionGenetics, part of Exact Sciences
Classification: Likely benign for SYNE1-related condition. Last evaluated: 2022-05-05. Review status: no assertion criteria provided. Collection method: clinical testing. Allele origin: germline. Not counted in ClinVar's aggregate classification.
Comment: This variant is classified as likely benign based on ACMG/AMP sequence variant interpretation guidelines (Richards et al. 2015 PMID: 25741868, with internal and published modifications).

NM_182961.4(SYNE1):c.18309G>A (p.Lys6103=)

Gene: SYNE1 (spectrin repeat containing nuclear envelope protein 1; minus strand). Cytogenetic location: 6q25.2.
Variant type: single nucleotide variant.
Coding change: c.18309G>A on transcript NM_182961.4 (MANE Select); coding-DNA position 18309, G replaced by A.
Protein change: p.Lys6103=; no amino-acid change (lysine 6103 retained).
Molecular consequence: synonymous variant.
Genome position (GRCh38, 1-based): chr6:152,281,879, C>T on the plus strand (G>A on the coding strand, the complement: SYNE1 is on the minus strand). VCF-style: chr6-152281879-C-T. GRCh37 (hg19) VCF-style: chr6-152603014-C-T.
Other names: c.18309G>A (NM_182961.2); c.18096G>A, p.Lys6032= (NM_033071.5).
Identifiers: ClinVar variation 906707 (VCV000906707.18), dbSNP rs759825628, ClinGen allele CA4055005.
Genomic context (GRCh38, chr6:152,281,879, plus strand): 5'-AAGCTGGGCCTCCATGTCCATGGGCTCCTTGGGTGGACTCAGCGCAGTGTCCAGAGTGGC[C>T]TTGGTACTCAAGAGCCAGCTGTCCAGCTCATCGGCTTCACAGCGATACCTCTGCAGGGCC-3'
Protein context (NP_892006.3, residues 6093-6113): DELDSWLLST[Lys6103=]ATLDTALSPP